The following is an entry in ClinVar:

ClinVar aggregate classification (germline): Uncertain significance (1 of 4 stars; one submission).

Conditions:
Cardiovascular phenotype. Identifiers: MedGen CN230736.
Hereditary cancer-predisposing syndrome. Also called: Neoplastic Syndromes, Hereditary; Tumor predisposition; Hereditary Cancer Syndrome; Hereditary neoplastic syndrome. Identifiers: Orphanet 140162, MedGen C0027672, MeSH D009386, MONDO:0015356.

Submission:

Ambry Genetics
Classification: Uncertain significance for Cardiovascular phenotype; Hereditary cancer-predisposing syndrome. Last evaluated: 2020-09-28. Review status: criteria provided, single submitter. Criteria: Ambry Variant Classification Scheme 2023. Collection method: clinical testing. Allele origin: germline.
Comment: The p.L559S variant (also known as c.1676T>C), located in coding exon 15 of the LZTR1 gene, results from a T to C substitution at nucleotide position 1676. The leucine at codon 559 is replaced by serine, an amino acid with dissimilar properties. This amino acid position is highly conserved in available vertebrate species. In addition, this alteration is predicted to be deleterious by in silico analysis. Since supporting evidence is limited at this time, the clinical significance of this alteration remains unclear.

NM_006767.4(LZTR1):c.1676T>C (p.Leu559Ser)

Gene: LZTR1 (leucine zipper like post translational regulator 1; plus strand). Cytogenetic location: 22q11.21.
Variant type: single nucleotide variant.
Coding change: c.1676T>C on transcript NM_006767.4 (MANE Select); coding-DNA position 1676, T replaced by C.
Protein change: p.Leu559Ser; replaces leucine 559 with serine.
Molecular consequence: missense variant.
Genome position (GRCh38, 1-based): chr22:20,994,618, T>C. VCF-style: chr22-20994618-T-C. GRCh37 (hg19) VCF-style: chr22-21348907-T-C.
Other names: short protein forms L559S.
Identifiers: ClinVar variation 1777800 (VCV001777800.2), dbSNP rs2518621757, ClinGen allele CA410776768.
Genomic context (GRCh38, chr22:20,994,618, plus strand): 5'-GCCATGTGGAGGATGTGCTGCTCATCATGGATGTGTACAAACTGGCACTGAGCTTCCAGT[T>C]GTGCCGCCTGGAGCAGCTGTGCCGCCAGTACATCGAGGCCTCCGTGGACCTGCAGAACGT-3'
Protein context (NP_006758.2, residues 549-569): DVYKLALSFQ[Leu559Ser]CRLEQLCRQY